The following is an entry in ClinVar:

ClinVar aggregate classification (germline): Conflicting classifications of pathogenicity. Review status: criteria provided, conflicting classifications (1 of 4 stars). 3 submissions from 3 submitters: Uncertain significance (1); Likely benign (2). Last evaluated 2025-10-13.

Conditions:
Retinal dystrophy. Also called: Inherited retinal dystrophy. Identifiers: Orphanet 71862, MedGen C0854723, MeSH D058499, MONDO:0019118, HP:0000556.
RP1L1-related disorder. Also called: RP1L1-related condition.

Allele frequency attached by ClinVar (database versions not stated): TOPMed 0.00003; gnomAD 0.00007; 1000 Genomes Project 0.00020; 1000 Genomes Project 30x 0.00031.
gnomAD v4.1: 27 of 1,613,728 alleles (0.0017%); highest among the groups gnomAD compares: East Asian, 0.058%; no homozygotes.

Submissions (3):

PreventionGenetics, part of Exact Sciences
Classification: Likely benign for RP1L1-related condition. Last evaluated: 2025-10-13. Review status: criteria provided, single submitter. Criteria: ACMG Guidelines, 2015. Collection method: clinical testing. Allele origin: germline.
Comment: This variant is classified as likely benign based on ACMG/AMP sequence variant interpretation guidelines (Richards et al. 2015 PMID: 25741868, with internal and published modifications).

Blueprint Genetics
Classification: Likely benign. Last evaluated: 2024-10-03. Review status: criteria provided, single submitter. Criteria: ACMG Guidelines, 2015. Collection method: clinical testing. Allele origin: germline.

Dept Of Ophthalmology, Nagoya University
Classification: Uncertain significance for Retinal dystrophy. Last evaluated: 2023-10-01. Review status: criteria provided, single submitter. Criteria: Submitter's publication. Collection method: research. Allele origin: germline. Affected: yes.

NM_178857.6(RP1L1):c.5016C>G (p.Pro1672=)

Gene: RP1L1 (RP1 like 1). Cytogenetic location: 8p23.1.
Variant type: single nucleotide variant.
Coding change: c.5016C>G on transcript NM_178857.6 (MANE Select); coding-DNA position 5016, C replaced by G.
Protein change: p.Pro1672=; no amino-acid change (proline 1672 retained).
Molecular consequence: synonymous variant.
Genome position (GRCh38, 1-based): chr8:10,609,082, G>C on the plus strand (C>G on the coding strand, the complement: RP1L1 is on the minus strand). VCF-style: chr8-10609082-G-C. GRCh37 (hg19) VCF-style: chr8-10466592-G-C.
Other names: c.5016C>G (NM_178857.5).
Identifiers: ClinVar variation 3027977 (VCV003027977.3), dbSNP rs551681036, ClinGen allele CA4623791.